The following is an entry in ClinVar:

NM_002470.4(MYH3):c.3912G>T (p.Arg1304Ser)

Gene: MYH3 (myosin heavy chain 3; minus strand). Cytogenetic location: 17p13.1.
Variant type: single nucleotide variant.
Coding change: c.3912G>T on transcript NM_002470.4 (MANE Select); coding-DNA position 3912, G replaced by T.
Protein change: p.Arg1304Ser; replaces arginine 1304 with serine.
Molecular consequence: missense variant.
Genome position (GRCh38, 1-based): chr17:10,635,798, C>A on the plus strand (G>T on the coding strand, the complement: MYH3 is on the minus strand). VCF-style: chr17-10635798-C-A. GRCh37 (hg19) VCF-style: chr17-10539115-C-A.
Other names: short protein forms R1304S.
Identifiers: ClinVar variation 1679316 (VCV001679316.9), dbSNP rs144799480, ClinGen allele CA8392358.

ClinVar aggregate classification (germline): Uncertain significance. Review status: criteria provided, multiple submitters, no conflicts (2 of 4 stars). 3 submissions from 3 submitters: Uncertain significance (3). Last evaluated 2026-01-19.

Conditions:
Inborn genetic diseases. Identifiers: MedGen C0950123, MeSH D030342.
Distal arthrogryposis. Identifiers: Orphanet 97120, MedGen C0265213, MONDO:0019942, HP:0005684.

Allele frequency attached by ClinVar (database versions not stated): gnomAD 0.00001 and 0.00003; TOPMed 0.00002; gnomAD exomes 0.00008 and 0.00010; ExAC 0.00014; ESP Exome Variant Server 0.00015; 1000 Genomes Project 30x 0.00016; 1000 Genomes Project 0.00020.
gnomAD v4.1: 131 of 1,614,172 alleles (0.0081%); highest among the groups gnomAD compares: Non-Finnish European, 0.0078%; no homozygotes.

Submissions (3):

Labcorp Genetics (formerly Invitae), Labcorp
Classification: Uncertain significance. Last evaluated: 2026-01-19. Review status: criteria provided, single submitter. Criteria: Invitae Variant Classification Sherloc (09022015). Collection method: clinical testing. Allele origin: germline.
Comment: This sequence change replaces arginine, which is basic and polar, with serine, which is neutral and polar, at codon 1304 of the MYH3 protein (p.Arg1304Ser). This variant is present in population databases (rs144799480, gnomAD 0.05%). This variant has not been reported in the literature in individuals affected with MYH3-related conditions. ClinVar contains an entry for this variant (Variation ID: 1679316). Invitae Evidence Modeling of protein sequence and biophysical properties (such as structural, functional, and spatial information, amino acid conservation, physicochemical variation, residue mobility, and thermodynamic stability) indicates that this missense variant is not expected to disrupt MYH3 protein function with a negative predictive value of 95%. In summary, the available evidence is currently insufficient to determine the role of this variant in disease. Therefore, it has been classified as a Variant of Uncertain Significance.

Ambry Genetics
Classification: Uncertain significance for Inborn genetic diseases. Last evaluated: 2025-08-02. Review status: criteria provided, single submitter. Criteria: Ambry Variant Classification Scheme 2023. Collection method: clinical testing. Allele origin: germline.

Department of Clinical Genetics, Copenhagen University Hospital, Rigshospitalet
Classification: Uncertain significance for Distal arthrogryposis. Last evaluated: 2021-08-01. Review status: criteria provided, single submitter. Criteria: ACMG Guidelines, 2015. Collection method: clinical testing. Allele origin: inherited. Affected: yes.